The following is an entry in ClinVar:

ClinVar aggregate classification (germline): Pathogenic/Likely pathogenic. Review status: criteria provided, multiple submitters, no conflicts (2 of 4 stars). 7 submissions from 7 submitters: Pathogenic (3); Likely pathogenic (3). 1 of the submissions does not count toward it. Last evaluated 2026-06-01.

Conditions:
LOC102723833 & USH2A-related disorders.
USH2A-related disorder. Also called: USH2A-related condition; USH2A-related disorders. Identifiers: MedGen CN239332.
Retinitis pigmentosa 39 (RP39). Identifiers: Orphanet 791, MedGen C3151138, MONDO:0013436, OMIM 613809.
Usher syndrome type 2A. Also called: RETINAL DISEASE IN USHER SYNDROME TYPE IIA, MODIFIER OF; USHER SYNDROME, TYPE IIA. Identifiers: Orphanet 231178, Orphanet 886, MedGen C1848634, MONDO:0010169, OMIM 276901.

Allele frequency attached by ClinVar (database versions not stated): gnomAD 0.00001; TOPMed 0.00001.
gnomAD v4.1: 2 of 152,210 alleles (0.0013%); highest among the groups gnomAD compares: Admixed American, 0.0065%; no homozygotes.

Submissions (7):

CeGaT Center for Human Genetics Tuebingen
Classification: Pathogenic. Last evaluated: 2026-06-01. Review status: criteria provided, single submitter. Criteria: CeGaT Center For Human Genetics Tuebingen Variant Classification Criteria Version 2. Collection method: clinical testing. Allele origin: germline. Affected: yes. Observed: 1 variant allele.
Comment: USH2A: PVS1, PM3:Strong, PM2

Natera, Inc.
Classification: Likely pathogenic for Usher syndrome type 2A. Last evaluated: 2025-10-21. Review status: criteria provided, single submitter. Criteria: Natera Variant Classification Schema (03/2026). Collection method: clinical testing. Allele origin: germline.
Comment: The c.5573-834A>G variant in USH2A is an intronic variant located outside the canonical splice sites. This variant is rare in the general population with a frequency below the threshold expected for the associated phenotype(s). This variant has been observed in one or more individuals affected with the associated recessive disease, as either homozygous or compound heterozygous with a second variant (PMID: 36785559, 37506127, 26629787). Functional studies show that this variant may disrupt protein function (PMID: 26629787). Given the available evidence, this variant is classified as Likely Pathogenic.

Labcorp Genetics (formerly Invitae), Labcorp
Classification: Pathogenic. Last evaluated: 2025-09-25. Review status: criteria provided, single submitter. Criteria: Invitae Variant Classification Sherloc (09022015). Collection method: clinical testing. Allele origin: germline.
Comment: This sequence change falls in intron 27 of the USH2A gene. It does not directly change the encoded amino acid sequence of the USH2A protein. This variant is not present in population databases (gnomAD no frequency). This variant has been observed in individuals with USH2A-related conditions (PMID: 26629787; internal data). ClinVar contains an entry for this variant (Variation ID: 867167). Studies have shown that this variant alters mRNA splicing and is expected to lead to the loss of protein expression (PMID: 26629787). For these reasons, this variant has been classified as Pathogenic.

Genome-Nilou Lab
Classification: Likely pathogenic for Retinitis pigmentosa 39. Last evaluated: 2023-04-11. Review status: criteria provided, single submitter. Criteria: ACMG Guidelines, 2015. Collection method: clinical testing. Allele origin: germline. Affected: no.

Institute of Medical Genetics and Applied Genomics, University Hospital Tübingen
Classification: Likely pathogenic for Retinitis pigmentosa 39. Last evaluated: 2023-02-13. Review status: criteria provided, single submitter. Criteria: ACMG Guidelines, 2015. Collection method: clinical testing. Allele origin: germline. Inheritance: Autosomal recessive inheritance. Affected: yes.

Blueprint Genetics
Classification: Pathogenic for LOC102723833 & USH2A-related disorders. Last evaluated: 2022-05-24. Review status: criteria provided, single submitter. Criteria: ACMG Guidelines, 2015. Collection method: clinical testing. Allele origin: germline. Affected: yes. Observed: 5 variant alleles.

PreventionGenetics, part of Exact Sciences
Classification: Likely pathogenic for USH2A-related condition. Last evaluated: 2024-09-18. Review status: no assertion criteria provided. Collection method: clinical testing. Allele origin: germline. Not counted in ClinVar's aggregate classification.
Comment: The USH2A c.5573-834A>G variant is predicted to interfere with splicing. This deep intronic variant is predicted to activate a cryptic splice acceptor site (SpliceAI, Jaganathan et al. 2019. PubMed ID: 30661751). A functional study using a minigene splicing assay confirmed this variant causes the inclusion of pseudoexons in the transcript (Liquori et al 2016. PubMed ID: 26629787). This variant has been reported along with a second USH2A variant in multiple individuals with Usher syndrome (Liquori et al. 2016. PubMed ID: 26629787; Table S1, Hufnagel et al. 2022. PubMed ID: 35266249; Reurink et al. 2023. PubMed ID: 36785559). This variant is reported in 0.0065% of alleles in individuals of European (Non-Finnish) descent in gnomAD. This variant is interpreted as likely pathogenic.

Literature cited by the submitters: PubMed 36785559 (cited by Natera, Inc.); PubMed 37506127 (cited by Natera, Inc.); PubMed 26629787 (cited by Natera, Inc. and Labcorp Genetics (formerly Invitae), Labcorp).

NM_206933.4(USH2A):c.5573-834A>G

Genes: USH2A (usherin; minus strand), USH2A-AS2 (USH2A antisense RNA 2; plus strand). Cytogenetic location: 1q41.
Variant type: single nucleotide variant.
Coding change: c.5573-834A>G on transcript NM_206933.4 (MANE Select); 834 bases into the intron before coding-DNA position 5573, A replaced by G.
Molecular consequence: intron variant.
Genome position (GRCh38, 1-based): chr1:216,074,134, T>C on the plus strand (A>G on the coding strand, the complement: USH2A is on the minus strand). VCF-style: chr1-216074134-T-C. GRCh37 (hg19) VCF-style: chr1-216247476-T-C.
Identifiers: ClinVar variation 867167 (VCV000867167.13), dbSNP rs1558244152, ClinGen allele CA913386914.